The following is an entry in ClinVar:

ClinVar aggregate classification (germline): Uncertain significance. Review status: criteria provided, multiple submitters, no conflicts (2 of 4 stars). 2 submissions from 2 submitters: Uncertain significance (2). Last evaluated 2023-05-31.

Conditions:
Hereditary nonpolyposis colorectal neoplasms. Identifiers: MedGen C0009405, MeSH D003123.
Lynch syndrome. Identifiers: Orphanet 144, MedGen C4552100, MONDO:0005835. Disease mechanism: loss of function.

Submissions (2):

All of Us Research Program, National Institutes of Health
Classification: Uncertain significance for Lynch syndrome. Last evaluated: 2023-05-31. Review status: criteria provided, single submitter. Criteria: ACMG Guidelines, 2015. Collection method: clinical testing. Allele origin: germline. Inheritance: Autosomal dominant inheritance. Observed: 1 variant allele, 1 heterozygote.
Comment: This study involves interpretation of variants in research participants for the purpose of population health screening. Participant phenotype was not available at the time of variant classification. Additional details can be found in publication PMID: 35346344, PMCID: PMC8962531

Labcorp Genetics (formerly Invitae), Labcorp
Classification: Uncertain significance for Hereditary nonpolyposis colorectal neoplasms. Last evaluated: 2021-08-03. Review status: criteria provided, single submitter. Criteria: Invitae Variant Classification Sherloc (09022015). Collection method: clinical testing. Allele origin: germline.
Comment: This variant has not been reported in the literature in individuals affected with PMS2-related conditions. In summary, the available evidence is currently insufficient to determine the role of this variant in disease. Therefore, it has been classified as a Variant of Uncertain Significance. Algorithms developed to predict the effect of missense changes on protein structure and function (SIFT, PolyPhen-2, Align-GVGD) all suggest that this variant is likely to be disruptive. This variant is not present in population databases (ExAC no frequency). This sequence change replaces cysteine with serine at codon 115 of the PMS2 protein (p.Cys115Ser). The cysteine residue is highly conserved and there is a moderate physicochemical difference between cysteine and serine.

NM_000535.7(PMS2):c.343T>A (p.Cys115Ser)

Gene: PMS2 (PMS1 homolog 2, mismatch repair system component; minus strand). Cytogenetic location: 7p22.1.
Variant type: single nucleotide variant.
Coding change: c.343T>A on transcript NM_000535.7 (MANE Select); coding-DNA position 343, T replaced by A.
Protein change: p.Cys115Ser; replaces cysteine 115 with serine.
Molecular consequence: missense variant. On other transcripts: 5 prime UTR variant (9), non-coding transcript variant (1), intron variant (2).
Genome position (GRCh38, 1-based): chr7:6,003,700, A>T on the plus strand (T>A on the coding strand, the complement: PMS2 is on the minus strand). VCF-style: chr7-6003700-A-T. GRCh37 (hg19) VCF-style: chr7-6043331-A-T.
Other names: c.-63T>A (NM_001322003.2, NM_001322004.2, NM_001322005.2 and 3 more transcripts); c.343T>A, p.Cys115Ser (NM_001322006.2, NM_001322014.2); c.-542T>A (NM_001322011.2, NM_001322012.2); c.-142T>A (NM_001322015.2); c.35+272T>A (NM_001322008.2, NM_001322007.2); short protein forms C115S.
Identifiers: ClinVar variation 1470994 (VCV001470994.6), dbSNP rs1290792398, ClinGen allele CA366744545.